The following is an entry in ClinVar:

ClinVar aggregate classification (germline): Likely benign. Review status: criteria provided, multiple submitters, no conflicts (2 of 4 stars). 2 submissions from 2 submitters: Likely benign (2). Last evaluated 2026-06-24.

Conditions:
TRMT10C-related disorder. Also called: TRMT10C-related condition.

Allele frequency attached by ClinVar (database versions not stated): gnomAD 0.00002 and 0.00008; TOPMed 0.00006; gnomAD exomes 0.00015 and 0.00021; 1000 Genomes Project 30x 0.00016; ExAC 0.00022.

Submissions (2):

PreventionGenetics, part of Exact Sciences
Classification: Likely benign for TRMT10C-related condition. Last evaluated: 2026-06-24. Review status: criteria provided, single submitter. Criteria: ACMG Guidelines, 2015. Collection method: clinical testing. Allele origin: germline.
Comment: This variant is classified as likely benign based on ACMG/AMP sequence variant interpretation guidelines (Richards et al. 2015 PMID: 25741868, with internal and published modifications).

Labcorp Genetics (formerly Invitae), Labcorp
Classification: Likely benign. Last evaluated: 2025-07-30. Review status: criteria provided, single submitter. Criteria: Invitae Variant Classification Sherloc (09022015). Collection method: clinical testing. Allele origin: germline.

NM_017819.4(TRMT10C):c.789A>G (p.Gln263=)

Gene: TRMT10C (tRNA methyltransferase 10C, mitochondrial RNase P subunit; plus strand). Cytogenetic location: 3q12.3.
Variant type: single nucleotide variant.
Coding change: c.789A>G on transcript NM_017819.4 (MANE Select); coding-DNA position 789, A replaced by G.
Protein change: p.Gln263=; no amino-acid change (glutamine 263 retained).
Molecular consequence: synonymous variant.
Genome position (GRCh38, 1-based): chr3:101,565,570, A>G. VCF-style: chr3-101565570-A-G. GRCh37 (hg19) VCF-style: chr3-101284414-A-G.
Identifiers: ClinVar variation 793474 (VCV000793474.10), dbSNP rs182835797, ClinGen allele CA2520582.